The following is an entry in ClinVar:

NM_001429.4(EP300):c.6958T>C (p.Ser2320Pro)

Gene: EP300 (EP300 lysine acetyltransferase; plus strand). Cytogenetic location: 22q13.2.
Variant type: single nucleotide variant.
Coding change: c.6958T>C on transcript NM_001429.4 (MANE Select); coding-DNA position 6958, T replaced by C.
Protein change: p.Ser2320Pro; replaces serine 2320 with proline.
Molecular consequence: missense variant.
Genome position (GRCh38, 1-based): chr22:41,178,669, T>C. VCF-style: chr22-41178669-T-C. GRCh37 (hg19) VCF-style: chr22-41574673-T-C.
Other names: c.6880T>C, p.Ser2294Pro (NM_001362843.2); c.6958T>C (NM_001429.3); short protein forms S2294P, S2320P.
Identifiers: ClinVar variation 2883239 (VCV002883239.4), dbSNP rs768211521, ClinGen allele CA10253989.

ClinVar aggregate classification (germline): Conflicting classifications of pathogenicity. Review status: criteria provided, conflicting classifications (1 of 4 stars). 2 submissions from 2 submitters: Uncertain significance (1); Likely benign (1). Last evaluated 2025-11-20.

Conditions:
Inborn genetic diseases. Identifiers: MedGen C0950123, MeSH D030342.
Rubinstein-Taybi syndrome due to EP300 haploinsufficiency. Also called: RUBINSTEIN-TAYBI SYNDROME 2; EP300-Related Rubinstein-Taybi Syndrome. Identifiers: Orphanet 353284, Orphanet 783, MedGen C3150941, MONDO:0013364, OMIM 613684.

Allele frequency attached by ClinVar (database versions not stated): ExAC 0.00001.
gnomAD v4.1: 4 of 1,614,042 alleles (0.00025%); highest among the groups gnomAD compares: Admixed American, 0.0067%; no homozygotes.

Submissions (2):

Ambry Genetics
Classification: Uncertain significance for Inborn genetic diseases. Last evaluated: 2025-11-20. Review status: criteria provided, single submitter. Criteria: Ambry Variant Classification Scheme 2023. Collection method: clinical testing. Allele origin: germline.
Comment: The c.6958T>C (p.S2320P) alteration is located in exon 31 (coding exon 31) of the EP300 gene. This alteration results from a T to C substitution at nucleotide position 6958, causing the serine (S) at amino acid position 2320 to be replaced by a proline (P). Based on data from gnomAD, the C allele has an overall frequency of 0.001% (2/251420) total alleles studied. The highest observed frequency was 0.006% (2/34592) of Latino alleles. Based on insufficient or conflicting evidence, the clinical significance of this alteration remains unclear.

Labcorp Genetics (formerly Invitae), Labcorp
Classification: Likely benign for Rubinstein-Taybi syndrome due to EP300 haploinsufficiency. Last evaluated: 2025-06-12. Review status: criteria provided, single submitter. Criteria: Invitae Variant Classification Sherloc (09022015). Collection method: clinical testing. Allele origin: germline.